The following is an entry in ClinVar:

ClinVar aggregate classification (germline): Likely benign. Review status: criteria provided, multiple submitters, no conflicts (2 of 4 stars). 2 submissions from 2 submitters: Likely benign (2). Last evaluated 2026-06-15.

Conditions:
Polyps, multiple and recurrent inflammatory fibroid, gastrointestinal. Identifiers: MedGen C5193005, MONDO:0008285, OMIM 175510.
Gastrointestinal stromal tumor. Also called: Gastrointestinal stromal tumor, somatic; Gastrointestinal stroma tumor. Identifiers: Orphanet 44890, MedGen C0238198, MeSH D046152, MONDO:0011719, OMIM 606764, HP:0100723.

Allele frequency attached by ClinVar (database versions not stated): ExAC 0.00002; gnomAD 0.00002; gnomAD exomes 0.00002; TOPMed 0.00002; ESP Exome Variant Server 0.00008.
gnomAD v4.1: 33 of 1,603,702 alleles (0.0021%); highest among the groups gnomAD compares: Non-Finnish European, 0.0026%; no homozygotes.

Submissions (2):

Myriad Genetics, Inc.
Classification: Likely benign for Polyps, multiple and recurrent inflammatory fibroid, gastrointestinal. Last evaluated: 2026-06-15. Review status: criteria provided, single submitter. Criteria: Myriad Autosomal Dominant, Autosomal Recessive and X-Linked Classification Criteria (2023). Collection method: clinical testing. Allele origin: unknown.
Comment: This variant is considered likely benign. This variant is intronic and is not expected to impact mRNA splicing. This variant has been observed at a population frequency that is significantly greater than expected given the associated disease prevalence and penetrance.

Labcorp Genetics (formerly Invitae), Labcorp
Classification: Likely benign for Gastrointestinal stromal tumor. Last evaluated: 2025-12-21. Review status: criteria provided, single submitter. Criteria: Invitae Variant Classification Sherloc (09022015). Collection method: clinical testing. Allele origin: germline.

NM_006206.6(PDGFRA):c.1559-12C>G

Gene: PDGFRA (platelet derived growth factor receptor alpha; plus strand). Cytogenetic location: 4q12.
Variant type: single nucleotide variant.
Coding change: c.1559-12C>G on transcript NM_006206.6 (MANE Select); 12 bases into the intron before coding-DNA position 1559, C replaced by G.
Molecular consequence: intron variant.
Genome position (GRCh38, 1-based): chr4:54,274,519, C>G. VCF-style: chr4-54274519-C-G. GRCh37 (hg19) VCF-style: chr4-55140686-C-G.
Other names: c.1634-12C>G (NM_001347828.2); c.1559-12C>G (NM_001347827.2, NM_001347829.2); c.1598-12C>G (NM_001347830.2).
Identifiers: ClinVar variation 1577162 (VCV001577162.9), dbSNP rs370463791, ClinGen allele CA2922614.